The following is an entry in ClinVar:

ClinVar aggregate classification (germline): Pathogenic/Likely pathogenic. Review status: criteria provided, multiple submitters, no conflicts (2 of 4 stars). 3 submissions from 3 submitters: Pathogenic (1); Likely pathogenic (2). Last evaluated 2025-09-29.

Conditions:
SOS1-related disorder. Also called: SOS1-related condition.
Fibromatosis, gingival, 1 (GINGF1). Identifiers: Orphanet 2024, MedGen C4551558, MONDO:0007609, OMIM 135300.
Noonan syndrome 4 (NS4). Also called: SOS1-Related Noonan Syndrome; NOONAN SYNDROME WITH PIGMENTED VILLONODULAR SYNOVITIS. Identifiers: Orphanet 648, MedGen C1853120, MONDO:0012547, OMIM 610733.

Submissions (3):

PreventionGenetics, part of Exact Sciences
Classification: Likely pathogenic for SOS1-related condition. Last evaluated: 2025-09-29. Review status: criteria provided, single submitter. Criteria: ACMG Guidelines, 2015. Collection method: clinical testing. Allele origin: germline.
Comment: The SOS1 c.1430A>G variant is predicted to result in the amino acid substitution p.Gln477Arg. This variant has been reported in multiple individuals with Noonan syndrome (Longoni et al. 2010. PubMed ID: 20683980; Lepri et al. 2011. PubMed ID: 21387466). This variant has not been reported in a large population database (gnomAD), indicating this variant is rare. This variant is interpreted as likely pathogenic.

GeneDx
Classification: Pathogenic. Last evaluated: 2022-07-11. Review status: criteria provided, single submitter. Criteria: GeneDx Variant Classification Process June 2021. Collection method: clinical testing. Allele origin: germline. Affected: yes.
Comment: Not observed in large population cohorts (gnomAD); In silico analysis, which includes protein predictors and evolutionary conservation, supports that this variant does not alter protein structure/function; The majority of missense variants in this gene are considered pathogenic (HGMD); This variant is associated with the following publications: (PMID: 24803665, 20648242, 29493581, 17143282, 21387466, 12628188, 20683980, 24077912)

Center for Genomics, Ann and Robert H. Lurie Children's Hospital of Chicago
Classification: Likely pathogenic for Noonan syndrome 4; Fibromatosis, gingival, 1. Review status: criteria provided, single submitter. Criteria: ACMG Guidelines, 2015. Collection method: clinical testing. Allele origin: germline.
Comment: This variant has been reported in the literature in 3 individuals with clinical suspicion or diagnoses of Noonan syndrome, including at least once as de novo (Longoni 2010 PMID: 20683980; Lepri 2011 PMID: 21387466). It has also been reported in ClinVar, with the only submitting laboratory classifying it as pathogenic (Variation ID: 181552). This variant is absent from gnomAD. This variant is located in the PH domain of the encoded protein, which is recognized as functionally important and is enriched for pathogenic variants in affected individuals (Lepri 2011 PMID: 21387466). Further, missense variation in the SOS1 gene is frequently pathogenic (Gelb 2018 PMID: 29493581). However, evolutionary conservation and computational prediction tools are unclear on the effect of this variant on the protein. In summary, data on this variant is highly suspicious for disease, but requires further evidence for pathogenicity. Therefore, this variant is classified as likely pathogenic.

NM_005633.4(SOS1):c.1430A>G (p.Gln477Arg)

Gene: SOS1 (SOS Ras/Rac guanine nucleotide exchange factor 1; minus strand). Cytogenetic location: 2p22.1.
Variant type: single nucleotide variant.
Coding change: c.1430A>G on transcript NM_005633.4 (MANE Select); coding-DNA position 1430, A replaced by G.
Protein change: p.Gln477Arg; replaces glutamine 477 with arginine.
Molecular consequence: missense variant.
Genome position (GRCh38, 1-based): chr2:39,022,998, T>C on the plus strand (A>G on the coding strand, the complement: SOS1 is on the minus strand). VCF-style: chr2-39022998-T-C. GRCh37 (hg19) VCF-style: chr2-39250139-T-C.
Other names: p.Q477R:CAG>CGG; c.1409A>G, p.Gln470Arg (NM_001382394.1); c.1430A>G, p.Gln477Arg (NM_001382395.1); short protein forms Q477R, Q470R.
Identifiers: ClinVar variation 181552 (VCV000181552.8), dbSNP rs730881044, ClinGen allele CA297270.